The following is an entry in ClinVar:

NM_001128178.3(NPHP1):c.1716+5G>A

Gene: NPHP1 (nephrocystin 1; minus strand). Cytogenetic location: 2q13.
Variant type: single nucleotide variant.
Coding change: c.1716+5G>A on transcript NM_001128178.3 (MANE Select); 5 bases into the intron after coding-DNA position 1716, G replaced by A.
Molecular consequence: intron variant.
Genome position (GRCh38, 1-based): chr2:110,129,181, C>T on the plus strand (G>A on the coding strand, the complement: NPHP1 is on the minus strand). VCF-style: chr2-110129181-C-T. GRCh37 (hg19) VCF-style: chr2-110886758-C-T.
Other names: c.1527+5G>A (NM_001128179.3); c.1713+5G>A (NM_001374256.1); c.1716+5G>A (NM_001374257.1); c.1881+5G>A (NM_207181.4); c.1884+5G>A (NM_000272.5).
Identifiers: ClinVar variation 2122757 (VCV002122757.4), dbSNP rs2467154529, ClinGen allele CA2580063736.

ClinVar aggregate classification (germline): Uncertain significance (1 of 4 stars; one submission).

Conditions:
Nephronophthisis. Also called: Juvenile Nephronophthisis. Identifiers: Orphanet 655, MedGen C0687120, MONDO:0019005, HP:0000090.

Allele frequency attached by ClinVar (database versions not stated): gnomAD exomes below 0.00001.
gnomAD v4.1: 1 of 1,608,758 alleles (0.000062%); highest among the groups gnomAD compares: South Asian, 0.0011%; no homozygotes.

Submission:

Labcorp Genetics (formerly Invitae), Labcorp
Classification: Uncertain significance for Nephronophthisis. Last evaluated: 2022-04-07. Review status: criteria provided, single submitter. Criteria: Invitae Variant Classification Sherloc (09022015). Collection method: clinical testing. Allele origin: germline.
Comment: In summary, the available evidence is currently insufficient to determine the role of this variant in disease. Therefore, it has been classified as a Variant of Uncertain Significance. This sequence change falls in intron 18 of the NPHP1 gene. It does not directly change the encoded amino acid sequence of the NPHP1 protein. It affects a nucleotide within the consensus splice site. This variant is not present in population databases (gnomAD no frequency). This variant has not been reported in the literature in individuals affected with NPHP1-related conditions. Variants that disrupt the consensus splice site are a relatively common cause of aberrant splicing (PMID: 17576681, 9536098). Algorithms developed to predict the effect of sequence changes on RNA splicing suggest that this variant may disrupt the consensus splice site.

Literature cited by the submitters: PubMed 17576681; PubMed 9536098.